The following is an entry in ClinVar:

NM_000075.4(CDK4):c.778G>T (p.Val260Leu)

Genes: CDK4 (cyclin dependent kinase 4; minus strand), TSPAN31 (tetraspanin 31; plus strand). Cytogenetic location: 12q14.1.
Variant type: single nucleotide variant.
Coding change: c.778G>T on transcript NM_000075.4 (MANE Select); coding-DNA position 778, G replaced by T.
Protein change: p.Val260Leu; replaces valine 260 with leucine.
Molecular consequence: missense variant. On other transcripts: 3 prime UTR variant (3).
Genome position (GRCh38, 1-based): chr12:57,749,223, C>A on the plus strand (G>T on the coding strand, the complement: CDK4 is on the minus strand). VCF-style: chr12-57749223-C-A. GRCh37 (hg19) VCF-style: chr12-58143006-C-A.
Other names: c.*1933C>A (NM_001330168.2, NM_001330169.2, NM_005981.5); short protein forms V260L.
Identifiers: ClinVar variation 233332 (VCV000233332.22), dbSNP rs876660340, ClinGen allele CA10579433.

ClinVar aggregate classification (germline): Uncertain significance. Review status: criteria provided, multiple submitters, no conflicts (2 of 4 stars). 5 submissions from 5 submitters: Uncertain significance (5). Last evaluated 2026-10-01.

Conditions:
Familial melanoma. Also called: Hereditary melanoma; Hereditary cutaneous melanoma. Identifiers: Orphanet 618, MedGen C1512419, MONDO:0018961.
Hereditary cancer-predisposing syndrome. Also called: Hereditary neoplastic syndrome; Tumor predisposition; Hereditary Cancer Syndrome; Neoplastic Syndromes, Hereditary. Identifiers: Orphanet 140162, MedGen C0027672, MeSH D009386, MONDO:0015356.
CDK4-related disorder. Also called: CDK4-related condition.

Allele frequency attached by ClinVar (database versions not stated): TOPMed 0.00001; gnomAD exomes 0.00001.
gnomAD v4.1: 5 of 1,614,068 alleles (0.00031%); highest among the groups gnomAD compares: Admixed American, 0.0067%; no homozygotes.

Submissions (5):

GeneDx
Classification: Uncertain significance. Last evaluated: 2026-10-01. Review status: criteria provided, single submitter. Criteria: GeneDx Variant Classification Process June 2021. Collection method: clinical testing. Allele origin: germline.
Comment: Not observed at significant frequency in large population cohorts (gnomAD); In silico analysis suggests that this missense variant does not alter protein structure/function; Has not been previously published as pathogenic or benign to our knowledge

Labcorp Genetics (formerly Invitae), Labcorp
Classification: Uncertain significance for Familial melanoma. Last evaluated: 2026-02-03. Review status: criteria provided, single submitter. Criteria: Invitae Variant Classification Sherloc (09022015). Collection method: clinical testing. Allele origin: germline.
Comment: This sequence change replaces valine, which is neutral and non-polar, with leucine, which is neutral and non-polar, at codon 260 of the CDK4 protein (p.Val260Leu). This variant is present in population databases (no rsID available, gnomAD 0.006%). This variant has not been reported in the literature in individuals affected with CDK4-related conditions. ClinVar contains an entry for this variant (Variation ID: 233332). Invitae Evidence Modeling of protein sequence and biophysical properties (such as structural, functional, and spatial information, amino acid conservation, physicochemical variation, residue mobility, and thermodynamic stability) indicates that this missense variant is not expected to disrupt CDK4 protein function with a negative predictive value of 95%. In summary, the available evidence is currently insufficient to determine the role of this variant in disease. Therefore, it has been classified as a Variant of Uncertain Significance.

PreventionGenetics, part of Exact Sciences
Classification: Uncertain significance for CDK4-related condition. Last evaluated: 2025-09-02. Review status: criteria provided, single submitter. Criteria: ACMG Guidelines, 2015. Collection method: clinical testing. Allele origin: germline.
Comment: The CDK4 c.778G>T variant is predicted to result in the amino acid substitution p.Val260Leu. To our knowledge, this variant has not been reported in the literature. This variant is reported in 0.0058% of alleles in individuals of Latino descent in gnomAD and is classified as a variant of uncertain significance in ClinVar (Variation ID: 233332). At this time, the clinical significance of this variant is uncertain due to the absence of conclusive functional and genetic evidence.

Quest Diagnostics Nichols Institute San Juan Capistrano
Classification: Uncertain significance. Last evaluated: 2025-04-09. Review status: criteria provided, single submitter. Criteria: Quest Diagnostics criteria. Collection method: clinical testing. Allele origin: unknown.
Comment: The CDK4 c.778G>T (p.Val260Leu) variant has not been reported in individuals with CDK4-related conditions in the published literature. The frequency of this variant in the general population (Genome Aggregation Database) is uninformative in the assessment of its pathogenicity. Analysis of this variant using bioinformatics tools for the prediction of the effect of amino acid changes on protein structure and function yielded predictions that this variant is benign. Based on the available information, we are unable to determine the clinical significance of this variant.

Ambry Genetics
Classification: Uncertain significance for Hereditary cancer-predisposing syndrome. Last evaluated: 2024-09-22. Review status: criteria provided, single submitter. Criteria: Ambry Variant Classification Scheme 2023. Collection method: clinical testing. Allele origin: germline.
Comment: The p.V260L variant (also known as c.778G>T), located in coding exon 6 of the CDK4 gene, results from a G to T substitution at nucleotide position 778. The valine at codon 260 is replaced by leucine, an amino acid with highly similar properties. This amino acid position is not well conserved in available vertebrate species. In addition, this alteration is predicted to be tolerated by in silico analysis. Since supporting evidence is limited at this time, the clinical significance of this alteration remains unclear.